The following is an entry in ClinVar:

ClinVar aggregate classification (germline): Likely benign (1 of 4 stars; one submission).

Conditions:
Fraser syndrome 2 (FRASRS2). Identifiers: MedGen C4540036, MONDO:0054738, OMIM 617666.

Allele frequency attached by ClinVar (database versions not stated): 1000 Genomes Project 30x 0.00219; 1000 Genomes Project 0.00240; TOPMed 0.00658; gnomAD 0.00829 and 0.00866.

Submission:

Illumina Laboratory Services, Illumina
Classification: Likely benign for Fraser syndrome 2. Last evaluated: 2018-01-13. Review status: criteria provided, single submitter. Criteria: ICSL Variant Classification Criteria 13 December 2019. Collection method: clinical testing. Allele origin: germline.
Comment: This variant was observed in the ICSL laboratory as part of a predisposition screen in an ostensibly healthy population. It had not been previously curated by ICSL or reported in the Human Gene Mutation Database (HGMD: prior to June 1st, 2018), and was therefore a candidate for classification through an automated scoring system. Utilizing variant allele frequency, disease prevalence and penetrance estimates, and inheritance mode, an automated score was calculated to assess if this variant is too frequent to cause the disease. Based on the score and internal cut-off values, a variant classified as likely benign is not then subjected to further curation. The score for this variant resulted in a classification of likely benign for this disease.

NM_207361.6(FREM2):c.*1539C>T

Gene: FREM2 (FRAS1 related extracellular matrix 2; plus strand). Cytogenetic location: 13q13.3.
Variant type: single nucleotide variant.
Coding change: c.*1539C>T on transcript NM_207361.6 (MANE Select); 1539 bases downstream of the stop codon, C replaced by T.
Molecular consequence: 3 prime UTR variant.
Genome position (GRCh38, 1-based): chr13:38,882,326, C>T. VCF-style: chr13-38882326-C-T. GRCh37 (hg19) VCF-style: chr13-39456463-C-T.
Identifiers: ClinVar variation 312054 (VCV000312054.5), dbSNP rs41286131, ClinGen allele CA10639508.